The following is an entry in ClinVar:

NM_000070.3(CAPN3):c.632+4A>G

Gene: CAPN3 (calpain 3; plus strand). Cytogenetic location: 15q15.1.
Variant type: single nucleotide variant.
Coding change: c.632+4A>G on transcript NM_000070.3 (MANE Select); 4 bases into the intron after coding-DNA position 632, A replaced by G.
Molecular consequence: intron variant.
Genome position (GRCh38, 1-based): chr15:42,387,890, A>G. VCF-style: chr15-42387890-A-G. GRCh37 (hg19) VCF-style: chr15-42680088-A-G.
Other names: c.632+4A>G (NM_024344.2, NM_173087.2).
Identifiers: ClinVar variation 550589 (VCV000550589.13), dbSNP rs1555420507, ClinGen allele CA658824242.

ClinVar aggregate classification (germline): Pathogenic/Likely pathogenic. Review status: criteria provided, multiple submitters, no conflicts (2 of 4 stars). 4 submissions from 4 submitters: Pathogenic (2); Likely pathogenic (1). 1 of the submissions does not count toward it. Last evaluated 2024-05-03.

Conditions:
Autosomal recessive limb-girdle muscular dystrophy type 2A (LGMDR1). Also called: Limb-girdle muscular dystrophy, type 2A; Muscular dystrophy, limb-girdle, type 2A, Amish; LEYDEN-MOEBIUS MUSCULAR DYSTROPHY; MUSCULAR DYSTROPHY, PELVOFEMORAL; Calpainopathy. Identifiers: Orphanet 267, MedGen C1869123, MONDO:0009675, OMIM 253600. Disease mechanism: loss of function.
Muscular dystrophy, limb-girdle, autosomal dominant 4. Also called: MUSCULAR DYSTROPHY, LIMB-GIRDLE, TYPE 1I; Calpain-3-related limb-girdle muscular dystrophy D4. Identifiers: Orphanet 565909, MedGen C4748295, MONDO:0029133, OMIM 618129.

Submissions (4):

Natera, Inc.
Classification: Likely pathogenic for Limb-girdle muscular dystrophy type 2A. Last evaluated: 2024-05-03. Review status: criteria provided, single submitter. Criteria: Natera Variant Classification Schema (03/2026). Collection method: clinical testing. Allele origin: germline.
Comment: The c.632+4A>G variant in CAPN3 is an intronic variant located outside the canonical splice sites. This variant is rare in the general population with a frequency below the threshold expected for the associated phenotype(s). This variant has been observed in one or more individuals affected with the associated recessive disease, as either homozygous or compound heterozygous with a second variant (PMID: 33335567). Functional studies show that this variant may disrupt protein function (PMID: 27081656). Computational prediction algorithms indicate this variant is likely to affect gene or protein function. Given the available evidence, this variant is classified as Likely Pathogenic.

Baylor Genetics
Classification: Pathogenic for Muscular dystrophy, limb-girdle, autosomal dominant 4. Last evaluated: 2024-02-22. Review status: criteria provided, single submitter. Criteria: ACMG Guidelines, 2015. Collection method: clinical testing. Allele origin: unknown.

Labcorp Genetics (formerly Invitae), Labcorp
Classification: Pathogenic for Autosomal recessive limb-girdle muscular dystrophy type 2A. Last evaluated: 2022-05-27. Review status: criteria provided, single submitter. Criteria: Invitae Variant Classification Sherloc (09022015). Collection method: clinical testing. Allele origin: germline.
Comment: ClinVar contains an entry for this variant (Variation ID: 550589). This variant is also known as IVS4+4A>G. This variant has been observed in individual(s) with autosomal recessive limb-girdle muscular dystrophy (PMID: 18563459, 33335567). In at least one individual the data is consistent with being in trans (on the opposite chromosome) from a pathogenic variant. It has also been observed to segregate with disease in related individuals. For these reasons, this variant has been classified as Pathogenic. Variants that disrupt the consensus splice site are a relatively common cause of aberrant splicing (PMID: 17576681, 9536098). Studies have shown that this variant results in exon 4 skipping and introduces a premature termination codon (PMID: 18563459). The resulting mRNA is expected to undergo nonsense-mediated decay. This sequence change falls in intron 4 of the CAPN3 gene. It does not directly change the encoded amino acid sequence of the CAPN3 protein. RNA analysis indicates that this variant induces altered splicing and may result in an absent or disrupted protein product. This variant is not present in population databases (gnomAD no frequency).

Counsyl
Classification: Uncertain significance for Autosomal recessive limb-girdle muscular dystrophy type 2A. Last evaluated: 2017-02-07. Review status: no assertion criteria provided. Collection method: clinical testing. Allele origin: unknown. Not counted in ClinVar's aggregate classification.

Literature cited by the submitters: PubMed 33335567 (cited by Natera, Inc. and Labcorp Genetics (formerly Invitae), Labcorp); PubMed 27081656 (cited by Natera, Inc.); PubMed 18563459 (cited by Labcorp Genetics (formerly Invitae), Labcorp and Counsyl); PubMed 17576681 (cited by Labcorp Genetics (formerly Invitae), Labcorp); PubMed 9536098 (cited by Labcorp Genetics (formerly Invitae), Labcorp); PubMed 15689361 (cited by Counsyl).